The following is an entry in ClinVar:

NM_002968.3(SALL1):c.967C>T (p.Gln323Ter)

Gene: SALL1 (spalt like transcription factor 1; minus strand). Cytogenetic location: 16q12.1.
Variant type: single nucleotide variant.
Coding change: c.967C>T on transcript NM_002968.3 (MANE Select); coding-DNA position 967, C replaced by T.
Protein change: p.Gln323Ter; replaces glutamine 323 with a stop codon.
Molecular consequence: nonsense.
Genome position (GRCh38, 1-based): chr16:51,141,255, G>A on the plus strand (C>T on the coding strand, the complement: SALL1 is on the minus strand). VCF-style: chr16-51141255-G-A. GRCh37 (hg19) VCF-style: chr16-51175166-G-A.
Other names: c.676C>T, p.Gln226Ter (NM_001127892.2); short protein forms Q323*, Q226*.
Identifiers: ClinVar variation 7434 (VCV000007434.10), dbSNP rs104894538, ClinGen allele CA118793.

ClinVar aggregate classification (germline): Pathogenic. Review status: criteria provided, multiple submitters, no conflicts (2 of 4 stars). 3 submissions from 3 submitters: Pathogenic (2). 1 of the submissions does not count toward it. Last evaluated 2019-05-28.

Conditions:
Townes syndrome (TBS). Also called: Townes-Brocks syndrome. Identifiers: Orphanet 857, MedGen C0265246, MeSH C536974, MONDO:0007142.
Townes-Brocks-branchiootorenal-like syndrome. Identifiers: MedGen C1862683.
Townes-Brocks syndrome 1 (TBS1). Also called: REAR SYNDROME; RENAL-EAR-ANAL-RADIAL SYNDROME; SALL1-Related Townes-Brocks Syndrome; DEAFNESS, SENSORINEURAL, WITH IMPERFORATE ANUS AND THUMB ANOMALIES. Identifiers: Orphanet 857, MedGen C4551481, MONDO:0054581, OMIM 107480.

Submissions (3):

Mendelics
Classification: Pathogenic for Townes-Brocks syndrome 1. Last evaluated: 2019-05-28. Review status: criteria provided, single submitter. Criteria: Mendelics Assertion Criteria 2017. Collection method: clinical testing. Allele origin: unknown.

Labcorp Genetics (formerly Invitae), Labcorp
Classification: Pathogenic for Townes syndrome. Last evaluated: 2018-04-20. Review status: criteria provided, single submitter. Criteria: Invitae Variant Classification Sherloc (09022015). Collection method: clinical testing. Allele origin: germline.
Comment: For these reasons, this variant has been classified as Pathogenic. Loss-of-function variants in SALL1 are known to be pathogenic (PMID: 9973281, 16088922, 23069192). This sequence change creates a premature translational stop signal (p.Gln323*) in the SALL1 gene. It is expected to result in an absent or disrupted protein product. This variant is not present in population databases (ExAC no frequency). This variant has been observed in a family affected with an atypical form of Townes-Brock syndrome or TBS (PMID: 14755477). ClinVar contains an entry for this variant (Variation ID: 7434).

OMIM
Classification: Pathogenic for TOWNES-BROCKS-BRANCHIOOTORENAL-LIKE SYNDROME. Last evaluated: 2004-02-15. Review status: no assertion criteria provided. Collection method: literature only. Allele origin: germline. Not counted in ClinVar's aggregate classification.

Literature cited by the submitters: PubMed 9973281 (cited by Labcorp Genetics (formerly Invitae), Labcorp); PubMed 16088922 (cited by Labcorp Genetics (formerly Invitae), Labcorp); PubMed 23069192 (cited by Labcorp Genetics (formerly Invitae), Labcorp); PubMed 14755477 (cited by Labcorp Genetics (formerly Invitae), Labcorp and OMIM); PubMed 10928856 (cited by OMIM).